The following is an entry in ClinVar:

NM_182914.3(SYNE2):c.15185G>A (p.Arg5062His)

Gene: SYNE2 (spectrin repeat containing nuclear envelope protein 2; plus strand). Cytogenetic location: 14q23.2.
Variant type: single nucleotide variant.
Coding change: c.15185G>A on transcript NM_182914.3 (MANE Select); coding-DNA position 15185, G replaced by A.
Protein change: p.Arg5062His; replaces arginine 5062 with histidine.
Molecular consequence: missense variant.
Genome position (GRCh38, 1-based): chr14:64,141,967, G>A. VCF-style: chr14-64141967-G-A. GRCh37 (hg19) VCF-style: chr14-64608685-G-A.
Other names: c.15185G>A, p.Arg5062His (NM_015180.6); short protein forms R5062H.
Identifiers: ClinVar variation 1042933 (VCV001042933.8), dbSNP rs760110795, ClinGen allele CA7223014.

ClinVar aggregate classification (germline): Uncertain significance (1 of 4 stars; one submission).

Conditions:
Emery-Dreifuss muscular dystrophy 5, autosomal dominant (EDMD5). Also called: EMERY-DREIFUSS MUSCULAR DYSTROPHY 5. Identifiers: Orphanet 261, MedGen C2751805, MONDO:0013072, OMIM 612999.

Allele frequency attached by ClinVar (database versions not stated): ExAC 0.00001; gnomAD 0.00006; TOPMed 0.00008.
gnomAD v4.1: 147 of 1,613,896 alleles (0.0091%); highest among the groups gnomAD compares: African/African-American, 0.012%; no homozygotes.

Submission:

Labcorp Genetics (formerly Invitae), Labcorp
Classification: Uncertain significance for Emery-Dreifuss muscular dystrophy 5, autosomal dominant. Last evaluated: 2022-02-11. Review status: criteria provided, single submitter. Criteria: Invitae Variant Classification Sherloc (09022015). Collection method: clinical testing. Allele origin: germline.
Comment: Algorithms developed to predict the effect of missense changes on protein structure and function are either unavailable or do not agree on the potential impact of this missense change (SIFT: "Tolerated"; PolyPhen-2: "Probably Damaging"; Align-GVGD: "Class C0"). In summary, the available evidence is currently insufficient to determine the role of this variant in disease. Therefore, it has been classified as a Variant of Uncertain Significance. ClinVar contains an entry for this variant (Variation ID: 1042933). This variant has not been reported in the literature in individuals affected with SYNE2-related conditions. This variant is present in population databases (rs760110795, gnomAD 0.007%). This sequence change replaces arginine, which is basic and polar, with histidine, which is basic and polar, at codon 5062 of the SYNE2 protein (p.Arg5062His).